The following is an entry in ClinVar:

ClinVar aggregate classification (germline): Uncertain significance. Review status: criteria provided, multiple submitters, no conflicts (2 of 4 stars). 3 submissions from 3 submitters: Uncertain significance (3). Last evaluated 2025-06-09.

Conditions:
Hereditary cancer-predisposing syndrome. Also called: Neoplastic Syndromes, Hereditary; Tumor predisposition; Hereditary Cancer Syndrome; Hereditary neoplastic syndrome. Identifiers: Orphanet 140162, MedGen C0027672, MeSH D009386, MONDO:0015356.
Familial adenomatous polyposis 1 (FAP1). Also called: FAMILIAL ADENOMATOUS POLYPOSIS 1, ATTENUATED; POLYPOSIS, ADENOMATOUS INTESTINAL. Identifiers: MedGen C2713442, MONDO:0021056, OMIM 175100. Disease mechanism: loss of function.

gnomAD v4.1: 2 of 1,613,904 alleles (0.00012%); highest among the groups gnomAD compares: South Asian, 0.0022%; no homozygotes.

Submissions (3):

Ambry Genetics
Classification: Uncertain significance for Hereditary cancer-predisposing syndrome. Last evaluated: 2025-06-09. Review status: criteria provided, single submitter. Criteria: Ambry Variant Classification Scheme 2023. Collection method: clinical testing. Allele origin: germline.
Comment: The p.V2236I variant (also known as c.6706G>A), located in coding exon 15 of the APC gene, results from a G to A substitution at nucleotide position 6706. The valine at codon 2236 is replaced by isoleucine, an amino acid with highly similar properties. This amino acid position is not well conserved in available vertebrate species. In addition, in silico predictors for this gene do not accurately predict pathogenicity. Missense alterations in APC are not a common cause of disease (Spier I et al. Genet Med. 2024 Feb;26(2):100992). Based on the available evidence, the clinical significance of this variant remains unclear.

Color Diagnostics, LLC DBA Color Health
Classification: Uncertain significance for Hereditary cancer-predisposing syndrome. Last evaluated: 2024-03-06. Review status: criteria provided, single submitter. Criteria: ACMG Guidelines, 2015. Collection method: clinical testing. Allele origin: germline.
Comment: This missense variant replaces valine with isoleucine at codon 2236 of the APC protein. Computational prediction suggests that this variant may not impact protein structure and function (internally defined REVEL score threshold <= 0.5, PMID: 27666373). To our knowledge, functional studies have not been reported for this variant. This variant has not been reported in individuals affected with hereditary cancer in the literature. This variant has not been identified in the general population by the Genome Aggregation Database (gnomAD). The available evidence is insufficient to determine the role of this variant in disease conclusively. Therefore, this variant is classified as a Variant of Uncertain Significance.

Labcorp Genetics (formerly Invitae), Labcorp
Classification: Uncertain significance for Familial adenomatous polyposis 1. Last evaluated: 2020-05-15. Review status: criteria provided, single submitter. Criteria: Invitae Variant Classification Sherloc (09022015). Collection method: clinical testing. Allele origin: germline.
Comment: This sequence change replaces valine with isoleucine at codon 2236 of the APC protein (p.Val2236Ile). The valine residue is highly conserved and there is a small physicochemical difference between valine and isoleucine. This variant is not present in population databases (ExAC no frequency). This variant has not been reported in the literature in individuals with APC-related conditions. Algorithms developed to predict the effect of missense changes on protein structure and function output the following: SIFT: "Tolerated"; PolyPhen-2: "Benign"; Align-GVGD: "Class C0". The isoleucine amino acid residue is found in multiple mammalian species, suggesting that this missense change does not adversely affect protein function. These predictions have not been confirmed by published functional studies and their clinical significance is uncertain. In summary, the available evidence is currently insufficient to determine the role of this variant in disease. Therefore, it has been classified as a Variant of Uncertain Significance.

NM_000038.6(APC):c.6706G>A (p.Val2236Ile)

Gene: APC (APC regulator of Wnt signaling pathway; plus strand). Cytogenetic location: 5q22.2.
Variant type: single nucleotide variant.
Coding change: c.6706G>A on transcript NM_000038.6 (MANE Select); coding-DNA position 6706, G replaced by A.
Protein change: p.Val2236Ile; replaces valine 2236 with isoleucine.
Molecular consequence: missense variant.
Genome position (GRCh38, 1-based): chr5:112,842,300, G>A. VCF-style: chr5-112842300-G-A. GRCh37 (hg19) VCF-style: chr5-112177997-G-A.
Other names: c.6706G>A, p.Val2236Ile (NM_001127510.3, NM_001354895.2); c.6652G>A, p.Val2218Ile (NM_001127511.3); c.6760G>A, p.Val2254Ile (NM_001354896.2); c.6736G>A, p.Val2246Ile (NM_001354897.2); c.6631G>A, p.Val2211Ile (NM_001354898.2); c.6622G>A, p.Val2208Ile (NM_001354899.2); c.6583G>A, p.Val2195Ile (NM_001354900.2); c.6529G>A, p.Val2177Ile (NM_001354901.2); and 5 more; short protein forms V2110I, V2145I, V2211I, V2236I, V2135I, V2177I, V2195I, V2218I.
Identifiers: ClinVar variation 920395 (VCV000920395.16), dbSNP rs1766280994, ClinGen allele CA16035988.